The following is an entry in ClinVar:

NM_178857.6(RP1L1):c.5057C>A (p.Ala1686Asp)

Gene: RP1L1 (RP1 like 1). Cytogenetic location: 8p23.1.
Variant type: single nucleotide variant.
Coding change: c.5057C>A on transcript NM_178857.6 (MANE Select); coding-DNA position 5057, C replaced by A.
Protein change: p.Ala1686Asp; replaces alanine 1686 with aspartic acid.
Molecular consequence: missense variant.
Genome position (GRCh38, 1-based): chr8:10,609,041, G>T on the plus strand (C>A on the coding strand, the complement: RP1L1 is on the minus strand). VCF-style: chr8-10609041-G-T. GRCh37 (hg19) VCF-style: chr8-10466551-G-T.
Other names: short protein forms A1686D.
Identifiers: ClinVar variation 3377186 (VCV003377186.2).

ClinVar aggregate classification (germline): Uncertain significance. Review status: criteria provided, multiple submitters, no conflicts (2 of 4 stars). 2 submissions from 2 submitters: Uncertain significance (2). Last evaluated 2021-05-06.

Conditions:
Retinitis pigmentosa 88. Identifiers: MedGen C5394208, MONDO:0032940, OMIM 618826.

Submissions (2):

Victorian Clinical Genetics Services, Murdoch Childrens Research Institute
Classification: Uncertain significance for Retinitis pigmentosa 88. Last evaluated: 2021-05-06. Review status: criteria provided, single submitter. Criteria: ACMG Guidelines, 2015. Collection method: clinical testing. Allele origin: germline. Inheritance: Autosomal recessive inheritance. Affected: yes.
Comment: Based on the classification scheme VCGS_Germline_v1.3.4, this variant is classified as VUS-3B. Following criteria are met: 0102 - Loss of function is a known mechanism of disease in this gene and is associated with autosomal recessive retinitis pigmentosa 88 (MIM#618826). On the other hand, the mechanism for autosomal dominant occult macular dystrophy (MIM#613587) remains unknown. (I) 0108 - This gene is associated with both recessive and dominant disease. However, the genotype-phenotype correlation is yet to be established (PMID: 32360662). (I) 0112 - The condition associated with this gene has incomplete penetrance (PMID: 30025130). (I) 0200 - Variant is predicted to result in a missense amino acid change from alaine to aspartic acid. (I) 0251 - This variant is heterozygous. (I) 0301 - Variant is absent from gnomAD (both v2 and v3). (SP) 0309 - Multiple alternative amino acid changes at the same position have been observed in gnomAD (Highest allele count: 4 heterozygotes, 0 homozygotes). (I) 0502 - Missense variant with conflicting in silico predictions and uninformative conservation. (I) 0604 - Variant is not located in an established domain, motif, hotspot or informative constraint region. (I) 0705 - No comparable missense variants have previous evidence for pathogenicity. (I) 0807 - This variant has no previous evidence of pathogenicity. (I) 0905 - No published segregation evidence has been identified for this variant. (I) 1007 - No published functional evidence has been identified for this variant. (I) 1208 - Inheritance information for this variant is not currently available in this individual. (I) Legend: (SP) - Supporting pathogenic, (I) - Information, (SB) - Supporting benign

Blueprint Genetics
Classification: Uncertain significance. Last evaluated: 2019-06-30. Review status: criteria provided, single submitter. Criteria: ACMG Guidelines, 2015. Collection method: clinical testing. Allele origin: germline.

Literature cited by the submitters: PubMed 30025130 (cited by Victorian Clinical Genetics Services, Murdoch Childrens Research Institute); PubMed 32360662 (cited by Victorian Clinical Genetics Services, Murdoch Childrens Research Institute).